The following is an entry in ClinVar:

ClinVar aggregate classification (germline): Conflicting classifications of pathogenicity. Review status: criteria provided, conflicting classifications (1 of 4 stars). 3 submissions from 3 submitters: Uncertain significance (2); Likely benign (1). Last evaluated 2025-07-03.

Conditions:
Hereditary breast ovarian cancer syndrome. Also called: Hereditary breast and ovarian cancer syndrome; Hereditary breast and ovarian cancer; Hereditary breast and ovarian cancer syndrome (HBOC); Breast and ovarian cancer; Hereditary breast and/or ovarian cancer syndrome; BRCA1- and BRCA2-Associated Hereditary Breast and Ovarian Cancer. Identifiers: Orphanet 145, MedGen C0677776, MeSH D061325, MONDO:0003582. Disease mechanism: loss of function.
Hereditary cancer-predisposing syndrome. Also called: Neoplastic Syndromes, Hereditary; Tumor predisposition; Hereditary Cancer Syndrome; Hereditary neoplastic syndrome. Identifiers: Orphanet 140162, MedGen C0027672, MeSH D009386, MONDO:0015356.

Allele frequency attached by ClinVar (database versions not stated): gnomAD exomes below 0.00001 and 0.00001.
gnomAD v4.1: 3 of 1,613,922 alleles (0.00019%); highest among the groups gnomAD compares: Non-Finnish European, 0.00025%; no homozygotes.

Submissions (3):

Women's Health and Genetics/Laboratory Corporation of America, LabCorp
Classification: Uncertain significance. Last evaluated: 2025-07-03. Review status: criteria provided, single submitter. Criteria: LabCorp Variant Classification Summary - May 2015. Collection method: clinical testing. Allele origin: germline.

Labcorp Genetics (formerly Invitae), Labcorp
Classification: Uncertain significance for Hereditary breast ovarian cancer syndrome. Last evaluated: 2024-08-05. Review status: criteria provided, single submitter. Criteria: Invitae Variant Classification Sherloc (09022015). Collection method: clinical testing. Allele origin: germline.
Comment: This sequence change falls in intron 20 of the BRCA2 gene. It does not directly change the encoded amino acid sequence of the BRCA2 protein. It affects a nucleotide within the consensus splice site. This variant is present in population databases (no rsID available, gnomAD 0.002%). This variant has not been reported in the literature in individuals affected with BRCA2-related conditions. ClinVar contains an entry for this variant (Variation ID: 485427). Variants that disrupt the consensus splice site are a relatively common cause of aberrant splicing (PMID: 17576681, 9536098). RNA analysis performed to evaluate the impact of this variant on mRNA splicing indicates it does not significantly alter splicing (Invitae). In summary, the available evidence is currently insufficient to determine the role of this variant in disease. Therefore, it has been classified as a Variant of Uncertain Significance.

Ambry Genetics
Classification: Likely benign for Hereditary cancer-predisposing syndrome. Last evaluated: 2021-11-05. Review status: criteria provided, single submitter. Criteria: Ambry Variant Classification Scheme 2023. Collection method: clinical testing. Allele origin: germline.

Literature cited by the submitters: PubMed 17576681 (cited by Labcorp Genetics (formerly Invitae), Labcorp); PubMed 9536098 (cited by Labcorp Genetics (formerly Invitae), Labcorp).

NM_000059.4(BRCA2):c.8633-3T>G

Gene: BRCA2 (BRCA2 DNA repair associated; plus strand). Cytogenetic location: 13q13.1.
Variant type: single nucleotide variant.
Coding change: c.8633-3T>G on transcript NM_000059.4 (MANE Select); 3 bases into the intron before coding-DNA position 8633, T replaced by G.
Molecular consequence: intron variant.
Genome position (GRCh38, 1-based): chr13:32,376,667, T>G. VCF-style: chr13-32376667-T-G. GRCh37 (hg19) VCF-style: chr13-32950804-T-G.
Identifiers: ClinVar variation 485427 (VCV000485427.16), dbSNP rs1283205861, ClinGen allele CA609092852.